The following is an entry in ClinVar:

NM_052874.5(STX1B):c.280G>A (p.Ala94Thr)

Gene: STX1B (syntaxin 1B; minus strand). Cytogenetic location: 16p11.2.
Variant type: single nucleotide variant.
Coding change: c.280G>A on transcript NM_052874.5 (MANE Select); coding-DNA position 280, G replaced by A.
Protein change: p.Ala94Thr; replaces alanine 94 with threonine.
Molecular consequence: missense variant.
Genome position (GRCh38, 1-based): chr16:31,000,928, C>T on the plus strand (G>A on the coding strand, the complement: STX1B is on the minus strand). VCF-style: chr16-31000928-C-T. GRCh37 (hg19) VCF-style: chr16-31012249-C-T.
Other names: short protein forms A94T.
Identifiers: ClinVar variation 1018503 (VCV001018503.8), dbSNP rs2056624213, ClinGen allele CA395650833.

ClinVar aggregate classification (germline): Uncertain significance (1 of 4 stars; one submission).

Conditions:
Generalized epilepsy with febrile seizures plus, type 9 (GEFSP9). Also called: GEFS+, TYPE 9. Identifiers: Orphanet 36387, MedGen C4015395, MONDO:0014517, OMIM 616172.

Submission:

Labcorp Genetics (formerly Invitae), Labcorp
Classification: Uncertain significance for Generalized epilepsy with febrile seizures plus, type 9. Last evaluated: 2025-08-20. Review status: criteria provided, single submitter. Criteria: Invitae Variant Classification Sherloc (09022015). Collection method: clinical testing. Allele origin: germline.
Comment: This sequence change replaces alanine, which is neutral and non-polar, with threonine, which is neutral and polar, at codon 94 of the STX1B protein (p.Ala94Thr). This variant also falls at the last nucleotide of exon 4, which is part of the consensus splice site for this exon. This variant is not present in population databases (gnomAD no frequency). This variant has not been reported in the literature in individuals affected with STX1B-related conditions. ClinVar contains an entry for this variant (Variation ID: 1018503). An algorithm developed to predict the effect of missense changes on protein structure and function (PolyPhen-2) suggests that this variant is likely to be tolerated. Variants that disrupt the consensus splice site are a relatively common cause of aberrant splicing (PMID: 17576681, 9536098). Algorithms developed to predict the effect of sequence changes on RNA splicing suggest that this variant may disrupt the consensus splice site. In summary, the available evidence is currently insufficient to determine the role of this variant in disease. Therefore, it has been classified as a Variant of Uncertain Significance.

Literature cited by the submitters: PubMed 17576681; PubMed 9536098.